The following is an entry in ClinVar:

ClinVar aggregate classification (germline): Uncertain significance. Review status: criteria provided, multiple submitters, no conflicts (2 of 4 stars). 2 submissions from 2 submitters: Uncertain significance (2). Last evaluated 2024-05-13.

Conditions:
Inborn genetic diseases. Identifiers: MedGen C0950123, MeSH D030342.
Norman-Roberts syndrome (LIS2). Also called: Lissencephaly 2 (Norman-Roberts type). Identifiers: Orphanet 89844, MedGen C0796089, MONDO:0009760, OMIM 257320.
Familial temporal lobe epilepsy 7. Identifiers: Orphanet 101046, MedGen C4225327, MONDO:0014639, OMIM 616436.

gnomAD v4.1: 4 of 1,613,724 alleles (0.00025%); highest among the groups gnomAD compares: Non-Finnish European, 0.00034%; no homozygotes.

Submissions (2):

Ambry Genetics
Classification: Uncertain significance for Inborn genetic diseases. Last evaluated: 2024-05-13. Review status: criteria provided, single submitter. Criteria: Ambry Variant Classification Scheme 2023. Collection method: clinical testing. Allele origin: germline.

Labcorp Genetics (formerly Invitae), Labcorp
Classification: Uncertain significance for Familial temporal lobe epilepsy 7; Norman-Roberts syndrome. Last evaluated: 2024-02-26. Review status: criteria provided, single submitter. Criteria: Invitae Variant Classification Sherloc (09022015). Collection method: clinical testing. Allele origin: germline.
Comment: This sequence change replaces valine, which is neutral and non-polar, with methionine, which is neutral and non-polar, at codon 1300 of the RELN protein (p.Val1300Met). This variant is not present in population databases (gnomAD no frequency). This variant has not been reported in the literature in individuals affected with RELN-related conditions. Advanced modeling of protein sequence and biophysical properties (such as structural, functional, and spatial information, amino acid conservation, physicochemical variation, residue mobility, and thermodynamic stability) performed at Invitae indicates that this missense variant is not expected to disrupt RELN protein function with a negative predictive value of 80%. In summary, the available evidence is currently insufficient to determine the role of this variant in disease. Therefore, it has been classified as a Variant of Uncertain Significance.

NM_005045.4(RELN):c.3898G>A (p.Val1300Met)

Gene: RELN (reelin; minus strand). Cytogenetic location: 7q22.1.
Variant type: single nucleotide variant.
Coding change: c.3898G>A on transcript NM_005045.4 (MANE Select); coding-DNA position 3898, G replaced by A.
Protein change: p.Val1300Met; replaces valine 1300 with methionine.
Molecular consequence: missense variant.
Genome position (GRCh38, 1-based): chr7:103,593,696, C>T on the plus strand (G>A on the coding strand, the complement: RELN is on the minus strand). VCF-style: chr7-103593696-C-T. GRCh37 (hg19) VCF-style: chr7-103234143-C-T.
Other names: c.3898G>A, p.Val1300Met (NM_173054.3); short protein forms V1300M.
Identifiers: ClinVar variation 3313592 (VCV003313592.3).
Genomic context (GRCh38, chr7:103,593,696, plus strand): 5'-ATTTTACTCCTTAACTTGCTCTGGGAAGAAGCTTGTGCATAAATACCTTGAACTGTAGCA[C>T]ATATCCAGGTTTCAGGGTCAAATCTCGAGTTACTGCAAATCGATCTCCATCTGATTTTCC-3'
Protein context (NP_005036.2, residues 1290-1310): TRDLTLKPGY[Val1300Met]LQFKLNIGCA